The following is an entry in ClinVar:

NM_198578.4(LRRK2):c.1127A>T (p.Asn376Ile)

Gene: LRRK2 (leucine rich repeat kinase 2; plus strand). Cytogenetic location: 12q12.
Variant type: single nucleotide variant.
Coding change: c.1127A>T on transcript NM_198578.4 (MANE Select); coding-DNA position 1127, A replaced by T.
Protein change: p.Asn376Ile; replaces asparagine 376 with isoleucine.
Molecular consequence: missense variant.
Genome position (GRCh38, 1-based): chr12:40,251,490, A>T. VCF-style: chr12-40251490-A-T. GRCh37 (hg19) VCF-style: chr12-40645292-A-T.
Other names: short protein forms N376I.
Identifiers: ClinVar variation 3364051 (VCV003364051.1).

ClinVar aggregate classification (germline): Uncertain significance (1 of 4 stars; one submission).

gnomAD v4.1: 1 of 1,612,410 alleles (0.000062%); highest among the groups gnomAD compares: Non-Finnish European, 0.000085%; no homozygotes.

Submission:

GeneDx
Classification: Uncertain significance. Last evaluated: 2023-11-13. Review status: criteria provided, single submitter. Criteria: GeneDx Variant Classification Process June 2021. Collection method: clinical testing. Allele origin: germline. Affected: yes.
Comment: Not observed at significant frequency in large population cohorts (gnomAD); In silico analysis supports that this missense variant has a deleterious effect on protein structure/function; Has not been previously published as pathogenic or benign to our knowledge